The following is an entry in ClinVar:

ClinVar aggregate classification (germline): Uncertain significance (1 of 4 stars; one submission).

Allele frequency attached by ClinVar (database versions not stated): gnomAD exomes 0.00001; TOPMed 0.00001; ExAC 0.00002.
gnomAD v4.1: 13 of 1,614,216 alleles (0.00081%); highest among the groups gnomAD compares: Admixed American, 0.005%; no homozygotes.

Submission:

Labcorp Genetics (formerly Invitae), Labcorp
Classification: Uncertain significance. Last evaluated: 2025-06-02. Review status: criteria provided, single submitter. Criteria: Invitae Variant Classification Sherloc (09022015). Collection method: clinical testing. Allele origin: germline.
Comment: This sequence change replaces histidine, which is basic and polar, with arginine, which is basic and polar, at codon 1536 of the CEP152 protein (p.His1536Arg). This variant is not present in population databases (gnomAD no frequency). This variant has not been reported in the literature in individuals affected with CEP152-related conditions. ClinVar contains an entry for this variant (Variation ID: 1464308). An algorithm developed to predict the effect of missense changes on protein structure and function outputs the following: PolyPhen-2: "Benign". The arginine amino acid residue is found in multiple mammalian species, which suggests that this missense change does not adversely affect protein function. In summary, the available evidence is currently insufficient to determine the role of this variant in disease. Therefore, it has been classified as a Variant of Uncertain Significance.

NM_001194998.2(CEP152):c.4775A>G (p.His1592Arg)

Gene: CEP152 (centrosomal protein 152; minus strand). Cytogenetic location: 15q21.1.
Variant type: single nucleotide variant.
Coding change: c.4775A>G on transcript NM_001194998.2 (MANE Select); coding-DNA position 4775, A replaced by G.
Protein change: p.His1592Arg; replaces histidine 1592 with arginine.
Molecular consequence: missense variant.
Genome position (GRCh38, 1-based): chr15:48,738,607, T>C on the plus strand (A>G on the coding strand, the complement: CEP152 is on the minus strand). VCF-style: chr15-48738607-T-C. GRCh37 (hg19) VCF-style: chr15-49030804-T-C.
Other names: c.4607A>G, p.His1536Arg (NM_014985.4); short protein forms H1536R, H1592R.
Identifiers: ClinVar variation 1464308 (VCV001464308.4), dbSNP rs745888966, ClinGen allele CA7548041.